The following is an entry in ClinVar:

ClinVar aggregate classification (germline): Uncertain significance (1 of 4 stars; one submission).

Conditions:
Maffucci syndrome. Also called: MULTIPLE ENCHONDROMATOSIS, MAFFUCCI TYPE; Dyschondrodysplasia with Hemangiomas; Enchondromatosis with Multiple Cavernous Hemangiomas; Hemangiomatosis Chondrodystrophica; Multiple Angiomas and Endochondromas; Kast Syndrome. Identifiers: Orphanet 163634, MedGen C0024454, MONDO:0013808, OMIM 614569.

Allele frequency attached by ClinVar (database versions not stated): gnomAD exomes below 0.00001.
gnomAD v4.1: 4 of 1,614,076 alleles (0.00025%); highest among the groups gnomAD compares: Non-Finnish European, 0.00034%; no homozygotes.

Submission:

Clinical Genomics Laboratory, Washington University in St. Louis
Classification: Uncertain significance for Maffucci syndrome. Last evaluated: 2024-02-08. Review status: criteria provided, single submitter. Criteria: ACMG Guidelines, 2015. Collection method: clinical testing. Allele origin: somatic.
Comment: An IDH1 c.943C>T (p.His315Tyr) variant was identified at an allelic fraction consistent with somatic origin. The variant, to our knowledge, has not been reported in the medical literature and is only observed on 4/1,461,792 alleles in the general population (gnomAD v.4.0.0), indicating it is not a common variant. Computational predictors suggest that the variant does not impact IDH1 function. Due to limited information, and based on the ACMG/AMP guidelines for variant interpretation (Richards S et al., PMID: 25741868), the clinical significance of this variant is uncertain at this time.

NM_005896.4(IDH1):c.943C>T (p.His315Tyr)

Gene: IDH1 (isocitrate dehydrogenase (NADP(+)) 1; minus strand). Cytogenetic location: 2q34.
Variant type: single nucleotide variant.
Coding change: c.943C>T on transcript NM_005896.4 (MANE Select); coding-DNA position 943, C replaced by T.
Protein change: p.His315Tyr; replaces histidine 315 with tyrosine.
Molecular consequence: missense variant.
Genome position (GRCh38, 1-based): chr2:208,239,911, G>A on the plus strand (C>T on the coding strand, the complement: IDH1 is on the minus strand). VCF-style: chr2-208239911-G-A. GRCh37 (hg19) VCF-style: chr2-209104635-G-A.
Other names: c.943C>T, p.His315Tyr (NM_001282386.1, NM_001282387.1); short protein forms H315Y.
Identifiers: ClinVar variation 3238635 (VCV003238635.1), dbSNP rs755385980.
Genomic context (GRCh38, chr2:208,239,911, plus strand): 5'-ACACCATCTTACCAATGGGATTGGTGGACGTCTCCTGTCCTTTCTGGTACATGCGGTAGT[G>A]ACGGGTTACAGTCCCGTGGGCAGCCTCTGCTTCTACTGTCTTGCCATCTGGACAAACCAG-3'
Protein context (NP_005887.2, residues 305-325): AEAAHGTVTR[His315Tyr]YRMYQKGQET